The following is an entry in ClinVar:

ClinVar aggregate classification (germline): Likely benign. Review status: criteria provided, multiple submitters, no conflicts (2 of 4 stars). 5 submissions from 5 submitters: Likely benign (4). 1 of the submissions does not count toward it. Last evaluated 2022-11-30.

Conditions:
ERMARD-related disorder. Also called: ERMARD-related condition.

Allele frequency attached by ClinVar (database versions not stated): gnomAD 0.00005 and 0.00004; gnomAD exomes 0.00010 and 0.00016; 1000 Genomes Project 0.00060; TOPMed 0.00008; 1000 Genomes Project 30x 0.00062; ExAC 0.00021.
gnomAD v4.1: 168 of 1,614,094 alleles (0.01%); highest among the groups gnomAD compares: Middle Eastern, 0.16%; 2 homozygotes.

Submissions (5):

Labcorp Genetics (formerly Invitae), Labcorp
Classification: Likely benign. Last evaluated: 2022-11-30. Review status: criteria provided, single submitter. Criteria: Invitae Variant Classification Sherloc (09022015). Collection method: clinical testing. Allele origin: germline.

GeneDx
Classification: Likely benign. Last evaluated: 2018-01-19. Review status: criteria provided, single submitter. Criteria: GeneDx Variant Classification (06012015). Collection method: clinical testing. Allele origin: germline. Affected: yes.
Comment: This variant is considered likely benign or benign based on one or more of the following criteria: it is a conservative change, it occurs at a poorly conserved position in the protein, it is predicted to be benign by multiple in silico algorithms, and/or has population frequency not consistent with disease.

Genetic Services Laboratory, University of Chicago
Classification: Likely benign. Last evaluated: 2017-10-11. Review status: criteria provided, single submitter. Criteria: ACMG Guidelines, 2015. Collection method: clinical testing. Allele origin: germline. Affected: no.

Breakthrough Genomics
Classification: Likely benign. Review status: criteria provided, single submitter. Criteria: ACMG Guidelines, 2015. Collection method: not provided. Allele origin: germline. Inheritance: Autosomal dominant inheritance. Affected: yes.

PreventionGenetics, part of Exact Sciences
Classification: Likely benign for ERMARD-related condition. Last evaluated: 2024-05-06. Review status: no assertion criteria provided. Collection method: clinical testing. Allele origin: germline. Not counted in ClinVar's aggregate classification.
Comment: This variant is classified as likely benign based on ACMG/AMP sequence variant interpretation guidelines (Richards et al. 2015 PMID: 25741868, with internal and published modifications).

NM_018341.3(ERMARD):c.1419T>C (p.Asn473=)

Gene: ERMARD (ER membrane associated RNA degradation; plus strand). Cytogenetic location: 6q27.
Variant type: single nucleotide variant.
Coding change: c.1419T>C on transcript NM_018341.3 (MANE Select); coding-DNA position 1419, T replaced by C.
Protein change: p.Asn473=; no amino-acid change (asparagine 473 retained).
Molecular consequence: synonymous variant.
Genome position (GRCh38, 1-based): chr6:169,775,964, T>C. VCF-style: chr6-169775964-T-C. GRCh37 (hg19) VCF-style: chr6-170176060-T-C.
Other names: c.1419T>C, p.Asn473= (NM_001278531.2, NM_001278533.2); c.1041T>C, p.Asn347= (NM_001278532.2).
Identifiers: ClinVar variation 514834 (VCV000514834.12), dbSNP rs570581453, ClinGen allele CA4106267.